The following is an entry in ClinVar:

ClinVar aggregate classification (germline): Pathogenic (1 of 4 stars; one submission).

Conditions:
Severe combined immunodeficiency, autosomal recessive, T cell-negative, B cell-negative, NK cell-positive. Also called: SCID, T CELL-NEGATIVE, B CELL-NEGATIVE, NK CELL-POSITIVE; SCID, AR, T-cell negative, B-cell negative, NK cell-positive; Severe combined immunodeficiency due to complete RAG1/2 deficiency. Identifiers: Orphanet 331206, MedGen C1832322, MONDO:0011086, OMIM 601457.
Combined immunodeficiency with skin granulomas. Identifiers: Orphanet 157949, MedGen C2673536, MONDO:0009306, OMIM 233650.

Submission:

Labcorp Genetics (formerly Invitae), Labcorp
Classification: Pathogenic for Combined immunodeficiency with skin granulomas; Severe combined immunodeficiency, autosomal recessive, T cell-negative, B cell-negative, NK cell-positive. Last evaluated: 2023-03-31. Review status: criteria provided, single submitter. Criteria: Invitae Variant Classification Sherloc (09022015). Collection method: clinical testing. Allele origin: germline.
Comment: For these reasons, this variant has been classified as Pathogenic. This variant disrupts a region of the RAG1 protein in which other variant(s) (p.Trp959*) have been determined to be pathogenic (PMID: 11133745, 24290284, 24406074). This suggests that this is a clinically significant region of the protein, and that variants that disrupt it are likely to be disease-causing. ClinVar contains an entry for this variant (Variation ID: 1458103). This variant has not been reported in the literature in individuals affected with RAG1-related conditions. This variant is not present in population databases (gnomAD no frequency). This sequence change creates a premature translational stop signal (p.Glu827Argfs*18) in the RAG1 gene. While this is not anticipated to result in nonsense mediated decay, it is expected to disrupt the last 217 amino acid(s) of the RAG1 protein.

Literature cited by the submitters: PubMed 11133745; PubMed 24290284; PubMed 24406074.

NM_000448.3(RAG1):c.2475del (p.Glu827fs)

Gene: RAG1 (recombination activating 1; plus strand). Cytogenetic location: 11p12.
Variant type: Deletion.
Coding change: c.2475del on transcript NM_000448.3 (MANE Select); coding-DNA position 2475, one base deleted (C; older notation c.2475delC).
Protein change: p.Glu827fs; shifts the reading frame from glutamic acid 827.
Molecular consequence: frameshift variant.
Genome position (GRCh38, 1-based): chr11:36,575,779, C deleted; the last of 2 consecutive C bases (chr11:36,575,778-36,575,779); deleting either gives the same sequence. VCF-style (leftmost placement, unchanged base first): chr11-36575777-TC-T. GRCh37 (hg19) VCF-style: chr11-36597327-TC-T.
Other names: c.2475del, p.Glu827fs (NM_001377277.1, NM_001377278.1, NM_001377279.1 and 1 more transcripts); short protein forms E827fs.
Identifiers: ClinVar variation 1458103 (VCV001458103.8), dbSNP rs2133297611, ClinGen allele CA2573146310.
Genomic context (GRCh38, chr11:36,575,777, plus strand): 5'-GCTGAGTTCTACAAGATCTTCCAGCTAGAGATAGGGGAAGTGTATAAGAATCCCAATGCT[TC>T]CAAAGAGGAAAGGAAAAGGTGGCAGGCCACACTGGACAAGCATCTCCGGAAGAAGATGAA-3'